The following is an entry in ClinVar:

ClinVar aggregate classification (germline): Pathogenic (1 of 4 stars; one submission).

Conditions:
Fanconi anemia (FA). Also called: Fanconi's anemia. Identifiers: Orphanet 84, MedGen C0015625, MeSH D005199, MONDO:0019391.

Submission:

Labcorp Genetics (formerly Invitae), Labcorp
Classification: Pathogenic for Fanconi anemia. Last evaluated: 2023-07-13. Review status: criteria provided, single submitter. Criteria: Invitae Variant Classification Sherloc (09022015). Collection method: clinical testing. Allele origin: germline.
Comment: This variant is not present in population databases (gnomAD no frequency). For these reasons, this variant has been classified as Pathogenic. This premature translational stop signal has been observed in individual(s) with Fanconi anemia (PMID: 16084127, 22778927). This sequence change creates a premature translational stop signal (p.Ala114Argfs*6) in the FANCA gene. It is expected to result in an absent or disrupted protein product. Loss-of-function variants in FANCA are known to be pathogenic (PMID: 19367192).

Literature cited by the submitters: PubMed 16084127; PubMed 22778927; PubMed 19367192.

NM_000135.4(FANCA):c.339_340del (p.Ala114fs)

Gene: FANCA (FA complementation group A; minus strand). Cytogenetic location: 16q24.3.
Variant type: Deletion.
Coding change: c.339_340del on transcript NM_000135.4 (MANE Select); coding-DNA positions 339 to 340, 2 bases deleted (AG; older notation c.339_340delAG).
Protein change: p.Ala114fs; shifts the reading frame from alanine 114.
Molecular consequence: frameshift variant.
Genome position (GRCh38, 1-based): chr16:89,811,015-89,811,016, CT deleted on the plus strand (AG on the coding strand, the reverse complement: FANCA is on the minus strand). VCF-style (leftmost placement, unchanged base first): chr16-89811014-GCT-G. GRCh37 (hg19) VCF-style: chr16-89877422-GCT-G.
Other names: c.339_340del, p.Ala114fs (NM_001018112.3, NM_001286167.3, NM_001351830.2); short protein forms A114fs.
Identifiers: ClinVar variation 2980652 (VCV002980652.3), dbSNP rs2544364902, ClinGen allele CA2740095169.